The following is an entry in ClinVar:

ClinVar aggregate classification (germline): Likely pathogenic (1 of 4 stars; one submission).

Conditions:
SHORT syndrome. Also called: SHORT STATURE, HYPEREXTENSIBILITY, HERNIA, OCULAR DEPRESSION, RIEGER ANOMALY, AND TEETHING DELAY; PIK3R1-Related SHORT Syndrome; LIPODYSTROPHY, PARTIAL, WITH RIEGER ANOMALY AND SHORT STATURE. Identifiers: Orphanet 3163, MedGen C0878684, MONDO:0010026, OMIM 269880.

Allele frequency attached by ClinVar (database versions not stated): TOPMed below 0.00001.
gnomAD v4.1: 1 of 1,611,946 alleles (0.000062%); highest among the groups gnomAD compares: Non-Finnish European, 0.000085%; no homozygotes.

Submission:

3billion
Classification: Likely pathogenic for SHORT syndrome. Last evaluated: 2022-05-22. Review status: criteria provided, single submitter. Criteria: ACMG Guidelines, 2015. Collection method: clinical testing. Allele origin: germline. Affected: yes. Observed: 1 heterozygote.
Comment: The variant is not observed in the gnomAD v2.1.1 dataset. Canonical splice site: predicted to alter splicing and result in a loss or disruption of normal protein function through nonsense-mediated decay (NMD) or protein truncation. Multiple pathogenic variants are reported downstream of the variant. Therefore, this variant is classified as likely pathogenic according to the recommendation of ACMG/AMP guideline.

NM_181523.3(PIK3R1):c.502+1G>T

Gene: PIK3R1 (phosphoinositide-3-kinase regulatory subunit 1; plus strand). Cytogenetic location: 5q13.1.
Variant type: single nucleotide variant.
Coding change: c.502+1G>T on transcript NM_181523.3 (MANE Select); the canonical splice donor site of the intron after coding-DNA position 502, G replaced by T.
Molecular consequence: splice donor variant.
Genome position (GRCh38, 1-based): chr5:68,274,014, G>T. VCF-style: chr5-68274014-G-T. GRCh37 (hg19) VCF-style: chr5-67569842-G-T.
Identifiers: ClinVar variation 1687455 (VCV001687455.1), dbSNP rs773461483, ClinGen allele CA119892054.